The following is an entry in ClinVar:

NM_013351.2(TBX21):c.1157G>T (p.Trp386Leu)

Gene: TBX21 (T-box transcription factor 21; plus strand). Cytogenetic location: 17q21.32.
Variant type: single nucleotide variant.
Coding change: c.1157G>T on transcript NM_013351.2 (MANE Select); coding-DNA position 1157, G replaced by T.
Protein change: p.Trp386Leu; replaces tryptophan 386 with leucine.
Molecular consequence: missense variant.
Genome position (GRCh38, 1-based): chr17:47,744,915, G>T. VCF-style: chr17-47744915-G-T. GRCh37 (hg19) VCF-style: chr17-45822281-G-T.
Other names: short protein forms W386L.
Identifiers: ClinVar variation 992545 (VCV000992545.4), dbSNP rs751981250, ClinGen allele CA8626466.

ClinVar aggregate classification (germline): Uncertain significance. Review status: criteria provided, multiple submitters, no conflicts (2 of 4 stars). 3 submissions from 2 submitters: Uncertain significance (3). Last evaluated 2020-05-20.

Conditions:
Immunodeficiency 88. Also called: IMMUNODEFICIENCY 88, MYCOBACTERIOSIS, AUTOSOMAL RECESSIVE. Identifiers: MedGen C5562026, MONDO:0030483, OMIM 619630.
Asthma, nasal polyps, and aspirin intolerance. Also called: ASA TRIAD. Identifiers: MedGen C1859648, MONDO:0008834, OMIM 208550.

Allele frequency attached by ClinVar (database versions not stated): gnomAD exomes 0.00001 and 0.00006; gnomAD 0.00003; TOPMed 0.00003; ExAC 0.00004.
gnomAD v4.1: 24 of 1,614,072 alleles (0.0015%); highest among the groups gnomAD compares: Admixed American, 0.032%; no homozygotes.

Submissions (3):

Center for Genomics, Ann and Robert H. Lurie Children's Hospital of Chicago
Classification: Uncertain significance for Asthma, nasal polyps, and aspirin intolerance. Last evaluated: 2020-05-20. Review status: criteria provided, single submitter. Criteria: ACMG Guidelines, 2015. Collection method: clinical testing. Allele origin: germline.
Comment: TBX21 NM_013351.1 exon 6 p.Trp386Leu (c.1157G>T): This variant has not been reported in the literature but is present in 0.04% (16/34592) of Latino alleles in the Genome Aggregation Database. Evolutionary conservation and computational predictive tools for this variant are unclear. In summary, data on this variant is insufficient for disease classification. Therefore, the clinical significance of this variant is uncertain.

Breakthrough Genomics
Classification: Uncertain significance. Review status: criteria provided, single submitter. Criteria: ACMG Guidelines, 2015. Collection method: not provided. Allele origin: germline. Inheritance: Autosomal recessive inheritance. Affected: yes.

Center for Genomics, Ann and Robert H. Lurie Children's Hospital of Chicago
Classification: Uncertain significance for Asthma, nasal polyps, and aspirin intolerance; Immunodeficiency 88. Review status: criteria provided, single submitter. Criteria: ACMG Guidelines, 2015. Collection method: clinical testing. Allele origin: germline.
Comment: the same text as in the submission from Center for Genomics, Ann and Robert H. Lurie Children's Hospital of Chicago above.